The following is an entry in ClinVar:

ClinVar aggregate classification (germline): Uncertain significance. Review status: criteria provided, multiple submitters, no conflicts (2 of 4 stars). 2 submissions from 2 submitters: Uncertain significance (2). Last evaluated 2024-04-10.

Conditions:
Epidermolysis bullosa, junctional 7, with interstitial lung disease and nephrotic syndrome. Also called: Interstitial lung disease, nephrotic syndrome, and epidermolysis bullosa, congenital; Interstitial Lung Disease with Nephrotic Syndrome and Epidermolysis Bullosa. Identifiers: Orphanet 306504, MedGen C4518785, MONDO:0013881, OMIM 614748.

Allele frequency attached by ClinVar (database versions not stated): gnomAD exomes 0.00004; ExAC 0.00009; 1000 Genomes Project 0.00020; ESP Exome Variant Server 0.00008; TOPMed 0.00014; 1000 Genomes Project 30x 0.00016; gnomAD 0.00019.
gnomAD v4.1: 94 of 1,613,972 alleles (0.0058%); highest among the groups gnomAD compares: Admixed American, 0.057%; no homozygotes.

Submissions (2):

Fulgent Genetics
Classification: Uncertain significance for Epidermolysis bullosa, junctional 7, with interstitial lung disease and nephrotic syndrome. Last evaluated: 2024-04-10. Review status: criteria provided, single submitter. Criteria: ACMG Guidelines, 2015. Collection method: clinical testing. Allele origin: germline.

Labcorp Genetics (formerly Invitae), Labcorp
Classification: Uncertain significance. Last evaluated: 2022-08-03. Review status: criteria provided, single submitter. Criteria: Invitae Variant Classification Sherloc (09022015). Collection method: clinical testing. Allele origin: germline.
Comment: In summary, the available evidence is currently insufficient to determine the role of this variant in disease. Therefore, it has been classified as a Variant of Uncertain Significance. Algorithms developed to predict the effect of missense changes on protein structure and function (SIFT, PolyPhen-2, Align-GVGD) all suggest that this variant is likely to be tolerated. This variant has not been reported in the literature in individuals affected with ITGA3-related conditions. This variant is present in population databases (rs140792604, gnomAD 0.1%). This sequence change replaces valine, which is neutral and non-polar, with isoleucine, which is neutral and non-polar, at codon 465 of the ITGA3 protein (p.Val465Ile).

NM_002204.4(ITGA3):c.1393G>A (p.Val465Ile)

Gene: ITGA3 (integrin subunit alpha 3; plus strand). Cytogenetic location: 17q21.33.
Variant type: single nucleotide variant.
Coding change: c.1393G>A on transcript NM_002204.4 (MANE Select); coding-DNA position 1393, G replaced by A.
Protein change: p.Val465Ile; replaces valine 465 with isoleucine.
Molecular consequence: missense variant.
Genome position (GRCh38, 1-based): chr17:50,074,458, G>A. VCF-style: chr17-50074458-G-A. GRCh37 (hg19) VCF-style: chr17-48151822-G-A.
Other names: short protein forms V465I.
Identifiers: ClinVar variation 1913472 (VCV001913472.5), dbSNP rs140792604, ClinGen allele CA8641536.